The following is an entry in ClinVar:

ClinVar aggregate classification (germline): Uncertain significance (1 of 4 stars; one submission).

Submission:

GeneDx
Classification: Uncertain significance. Last evaluated: 2023-08-01. Review status: criteria provided, single submitter. Criteria: GeneDx Variant Classification Process June 2021. Collection method: clinical testing. Allele origin: germline. Affected: yes.
Comment: Not observed at significant frequency in large population cohorts (gnomAD); In silico analysis supports that this missense variant has a deleterious effect on protein structure/function; Has not been previously published as pathogenic or benign to our knowledge

NM_001378964.1(CDON):c.2374A>G (p.Lys792Glu)

Gene: CDON (cell adhesion associated, oncogene regulated; minus strand). Cytogenetic location: 11q24.2.
Variant type: single nucleotide variant.
Coding change: c.2374A>G on transcript NM_001378964.1 (MANE Select); coding-DNA position 2374, A replaced by G.
Protein change: p.Lys792Glu; replaces lysine 792 with glutamic acid.
Molecular consequence: missense variant.
Genome position (GRCh38, 1-based): chr11:125,995,041, T>C on the plus strand (A>G on the coding strand, the complement: CDON is on the minus strand). VCF-style: chr11-125995041-T-C. GRCh37 (hg19) VCF-style: chr11-125864936-T-C.
Other names: c.2374A>G, p.Lys792Glu (NM_001243597.3, NM_016952.6); short protein forms K792E.
Identifiers: ClinVar variation 3361522 (VCV003361522.1).